The following is an entry in ClinVar:

NM_001048174.2(MUTYH):c.928C>T (p.Gln310Ter)

Gene: MUTYH (mutY DNA glycosylase; minus strand). Cytogenetic location: 1p34.1.
Variant type: single nucleotide variant.
Coding change: c.928C>T on transcript NM_001048174.2 (MANE Select); coding-DNA position 928, C replaced by T.
Protein change: p.Gln310Ter; replaces glutamine 310 with a stop codon.
Molecular consequence: nonsense. On other transcripts: non-coding transcript variant (2).
Genome position (GRCh38, 1-based): chr1:45,331,835, G>A on the plus strand (C>T on the coding strand, the complement: MUTYH is on the minus strand). VCF-style: chr1-45331835-G-A. GRCh37 (hg19) VCF-style: chr1-45797507-G-A.
Other names: p.Q338*:CAG>TAG; c.928C>T, p.Gln310Ter (NM_001048171.2, NM_001048173.2, NM_001293195.2); c.931C>T, p.Gln311Ter (NM_001048172.2); c.1012C>T, p.Gln338Ter (NM_001128425.2); c.973C>T, p.Gln325Ter (NM_001293190.2); c.961C>T, p.Gln321Ter (NM_001293191.2); c.652C>T, p.Gln218Ter (NM_001293192.2, NM_001293196.2); c.583C>T, p.Gln195Ter (NM_001350650.2, NM_001350651.2); and 1 more; short protein forms Q338*, Q310*, Q324*, Q311*, Q325*, Q195*, Q321*, Q218*.
Identifiers: ClinVar variation 127835 (VCV000127835.74), dbSNP rs587780082, ClinGen allele CA011953.
Genomic context (GRCh38, chr1:45,331,835, plus strand): 5'-AGTTGACCACTCCCAGGGTCTGGTCCCAGGGCTCCGAGGGAGGCAGGCACAGGTGGCACT[G>A]TCCAGTGTTGGGAGCTGGGAACGGAGATCCCCGAACCCTACTCAAGCCAAGAGGGCTTTA-3'

ClinVar aggregate classification (germline): Pathogenic. Review status: criteria provided, multiple submitters, no conflicts (2 of 4 stars). 14 submissions from 14 submitters: Pathogenic (13). 1 of the submissions does not count toward it. Last evaluated 2026-08-24.

Conditions:
MUTYH-related disorder. Also called: MUTYH-related condition; MUTYH-related disorders.
Familial adenomatous polyposis 2. Also called: MYH-associated polyposis; MUTYH-related attenuated familial adenomatous polyposis; COLORECTAL ADENOMATOUS POLYPOSIS, AUTOSOMAL RECESSIVE; ADENOMAS, MULTIPLE COLORECTAL, AUTOSOMAL RECESSIVE; MUTYH-associated polyposis; MUTYH Polyposis. Identifiers: Orphanet 220460, Orphanet 247798, MedGen C3272841, MONDO:0012041, OMIM 608456.
Gastric cancer. Also called: Malignant tumor of stomach; Stomach cancer. Identifiers: MedGen C0024623, MeSH D013274, MONDO:0001056, OMIM 613659, HP:0012126.
Hereditary cancer-predisposing syndrome. Also called: Neoplastic Syndromes, Hereditary; Hereditary neoplastic syndrome; Hereditary Cancer Syndrome; Tumor predisposition. Identifiers: Orphanet 140162, MedGen C0027672, MeSH D009386, MONDO:0015356.

Allele frequency attached by ClinVar (database versions not stated): gnomAD exomes 0.00002 and 0.00008; TOPMed 0.00002; gnomAD 0.00003 and 0.00004; ExAC 0.00012.
gnomAD v4.1: 36 of 1,604,034 alleles (0.0022%); highest among the groups gnomAD compares: Admixed American, 0.038%; no homozygotes.

Submissions 1 to 9 of 14:

PreventionGenetics, part of Exact Sciences
Classification: Pathogenic for MUTYH-related condition. Last evaluated: 2026-08-24. Review status: criteria provided, single submitter. Criteria: ACMG Guidelines, 2015. Collection method: clinical testing. Allele origin: germline.
Comment: The MUTYH c.1012C>T variant is predicted to result in premature protein termination (p.Gln338*). This variant is also referred to as Q324X and p.Gln310Ter in the literature. It has been reported in individuals with polyposis and/or colorectal cancer (see, for example: Ricci et al. 2016. PubMed ID: 27829682; Bouguen et al. 2007. PubMed ID: 17674103; Guarinos et al. 2014. PubMed ID: 24470512). Experimental studies indicate this variant impacts protein function and severely impairs adenine DNA glycosylase activity (Goto et al. 2010. PubMed ID: 20848659; Khuu et al. 2026. PubMed ID: 42427202). This variant is reported in 0.045% of alleles in individuals of Latino descent in gnomAD and has been interpreted as pathogenic in the ClinVar database (Variation ID: 127835). Nonsense variants in MUTYH are expected to be pathogenic. This variant is interpreted as pathogenic.

Labcorp Genetics (formerly Invitae), Labcorp
Classification: Pathogenic for Familial adenomatous polyposis 2. Last evaluated: 2025-12-29. Review status: criteria provided, single submitter. Criteria: Invitae Variant Classification Sherloc (09022015). Collection method: clinical testing. Allele origin: germline.
Comment: This sequence change creates a premature translational stop signal (p.Gln338*) in the MUTYH gene. It is expected to result in an absent or disrupted protein product. Loss-of-function variants in MUTYH are known to be pathogenic (PMID: 18534194, 20663686). This variant is present in population databases (rs587780082, gnomAD 0.04%). This premature translational stop signal has been observed in individual(s) with MUTYH-associated polyposis (MAP) (PMID: 2084865, 12853198, 16557584, 19732775, 24470512). This variant is also known as Q310X and Q324X. ClinVar contains an entry for this variant (Variation ID: 127835). For these reasons, this variant has been classified as Pathogenic.

Color Diagnostics, LLC DBA Color Health
Classification: Pathogenic for Hereditary cancer-predisposing syndrome. Last evaluated: 2025-12-08. Review status: criteria provided, single submitter. Criteria: ACMG Guidelines, 2015. Collection method: clinical testing. Allele origin: germline.
Comment: This variant changes 1 nucleotide in exon 12 of the MUTYH gene, creating a premature translation stop signal. This variant is expected to result in an absent or non-functional protein product. A functional study reported that this variant was severely defective for DNA glycosylase activity (PMID: 20848659). This variant has been reported in individuals affected with MUTYH-associated polyposis (PMID: 12853198, 16557584, 17674103, 17949294, 19032956, 19394335, 19732775, 24470512, 26556299, 27829682, 34704405). This variant has been identified in 36/1604034 chromosomes in the general population by the Genome Aggregation Database (gnomAD). Loss of MUTYH function is a known mechanism of disease. Based on the available evidence, this variant is classified as Pathogenic.

Ambry Genetics
Classification: Pathogenic for Hereditary cancer-predisposing syndrome. Last evaluated: 2025-01-27. Review status: criteria provided, single submitter. Criteria: Ambry Variant Classification Scheme 2023. Collection method: clinical testing. Allele origin: germline.
Comment: The p.Q338* pathogenic mutation (also known as c.1012C>T), located in coding exon 12 of the MUTYH gene, results from a C to T substitution at nucleotide position 1012. This changes the amino acid from a glutamine to a stop codon within coding exon 12. This alteration has been described in several individuals with attenuated polyposis and/or colon cancer (Sampson JR et al. Lancet. 2003 Jul;362:39-41; Aretz S et al. Int. J. Cancer. 2006 Aug;119:807-14; Olschwang S et al. Genet. Test. 2007;11:315-20; Bouguen G et al. Dis. Colon Rectum. 2007 Oct;50:1612-7; Nielsen M et al. Gastroenterology. 2009 Feb;136:471-6; Jones N et al. Gastroenterology. 2009 Aug;137:489-94, 494.e1; Vogt S et al. Gastroenterology. 2009 Dec;137:1976-85.e1-10; Guarinos C et al. Clin. Cancer Res. 2014 Mar;20:1158-68). The glycosylation function of the p.Q338* mutant MUTYH was classified as extremely impaired in one study measuring DNA glycosylase activity on adenine mispaired with 8-hydroxyguanine (Goto M et al. Hum. Mutat. 2010 Nov;31:E1861-74). Of note, p.Q338* has also been referred to as p.Q324X and p.Q310* in the literature. In addition to the clinical data presented in the literature, this alteration is expected to result in loss of function by premature protein truncation or nonsense-mediated mRNA decay. As such, this alteration is interpreted as a disease-causing mutation.

Hema, HEMA – Genetic and Molecular Diagnostic Laboratory
Classification: Pathogenic for Familial adenomatous polyposis 2. Last evaluated: 2025-01-07. Review status: criteria provided, single submitter. Criteria: HEMA Variant Classification Assertion Criteria. Collection method: clinical testing. Allele origin: germline.
Comment: It is a transition from guanine to adenine that results in a premature stop codon at codon 310 of MUTYH. This variant is also known in the literature as Gln338* and Gln324*, among other notations. PVS1: Null variant (nonsense) in a gene for which loss of function is a known disease mechanism. It is a nonsense variant that results in a premature stop codon in exon 12/16, which is predicted to lead to nonsense-mediated decay (NMD) of the transcript. PM2_Supporting: Present at very low frequency in the gnomAD database. PM3_VeryStrong: The variant has been reported in conjunction with other pathogenic variants in at least 11 individuals with MUTYH-associated polyposis (PMID: 16557584, 17674103, 19394335, 22976915, 24470512, 27829682).

Quest Diagnostics Nichols Institute San Juan Capistrano
Classification: Pathogenic. Last evaluated: 2024-12-04. Review status: criteria provided, single submitter. Criteria: Quest Diagnostics criteria. Collection method: clinical testing. Allele origin: unknown.
Comment: The MUTYH c.1012C>T (p.Gln338*) variant has been reported in the published literature in individuals affected with MUTYH-associated polyposis (MAP) (PMID: 12853198 (2003), 19732775 (2009), 24470512 (2014), 34704405 (2021)), colorectal neoplasias (PMID: 27829682 (2016)), and breast cancer (PMID: 33471991, see also LOVD). This variant has also been reported to affect MUTYH protein expression and DNA glycosylase activity (PMID: 20848659 (2009)). The frequency of this variant in the general population (Genome Aggregation Database) is consistent with pathogenicity. Based on the available information, this variant is classified as pathogenic.

All of Us Research Program, National Institutes of Health
Classification: Pathogenic for Familial adenomatous polyposis 2. Last evaluated: 2024-09-23. Review status: criteria provided, single submitter. Criteria: ACMG Guidelines, 2015. Collection method: clinical testing. Allele origin: germline. Inheritance: Autosomal recessive inheritance. Observed: 14 variant alleles, 14 heterozygotes.
Comment: This variant changes 1 nucleotide in exon 12 of the MUTYH gene, creating a premature translation stop signal. This variant is expected to result in an absent or non-functional protein product. A functional study reported that this variant was severely defective for DNA glycosylase activity (PMID: 20848659). To our knowledge, this variant has been reported in individuals affected with MUTYH-associated polyposis (PMID: 12853198, 16557584, 17674103, 17949294, 19032956, 19394335, 19732775, 24470512, 26556299, 27829682). This variant has been identified in 20/263922 chromosomes in the general population by the Genome Aggregation Database (gnomAD). Loss of MUTYH function is a known mechanism of disease. Based on the available evidence, this variant is classified as Pathogenic.

This study involves interpretation of variants in research participants for the purpose of population health screening. Participant phenotype was not available at the time of variant classification. Additional details can be found in publication PMID: 35346344, PMCID: PMC8962531

Fulgent Genetics
Classification: Pathogenic for Familial adenomatous polyposis 2; Gastric cancer. Last evaluated: 2024-01-17. Review status: criteria provided, single submitter. Criteria: ACMG Guidelines, 2015. Collection method: clinical testing. Allele origin: germline.

Baylor Genetics
Classification: Pathogenic for Familial adenomatous polyposis 2. Last evaluated: 2023-12-28. Review status: criteria provided, single submitter. Criteria: ACMG Guidelines, 2015. Collection method: clinical testing. Allele origin: unknown.